The following is an entry in ClinVar:

NM_006767.4(LZTR1):c.2291T>C (p.Leu764Pro)

Gene: LZTR1 (leucine zipper like post translational regulator 1; plus strand). Cytogenetic location: 22q11.21.
Variant type: single nucleotide variant.
Coding change: c.2291T>C on transcript NM_006767.4 (MANE Select); coding-DNA position 2291, T replaced by C.
Protein change: p.Leu764Pro; replaces leucine 764 with proline.
Molecular consequence: missense variant.
Genome position (GRCh38, 1-based): chr22:20,996,767, T>C. VCF-style: chr22-20996767-T-C. GRCh37 (hg19) VCF-style: chr22-21351056-T-C.
Other names: short protein forms L764P.
Identifiers: ClinVar variation 4101943 (VCV004101943.2).

ClinVar aggregate classification (germline): Uncertain significance. Review status: criteria provided, multiple submitters, no conflicts (2 of 4 stars). 2 submissions from 2 submitters: Uncertain significance (2). Last evaluated 2025-09-22.

Conditions:
Cardiovascular phenotype. Identifiers: MedGen CN230736.
Hereditary cancer-predisposing syndrome. Also called: Tumor predisposition; Neoplastic Syndromes, Hereditary; Hereditary neoplastic syndrome; Hereditary Cancer Syndrome. Identifiers: Orphanet 140162, MedGen C0027672, MeSH D009386, MONDO:0015356.

gnomAD v4.1: 1 of 1,613,422 alleles (0.000062%); highest among the groups gnomAD compares: Non-Finnish European, 0.000085%; no homozygotes.

Submissions (2):

Labcorp Genetics (formerly Invitae), Labcorp
Classification: Uncertain significance. Last evaluated: 2025-09-22. Review status: criteria provided, single submitter. Criteria: Invitae Variant Classification Sherloc (09022015). Collection method: clinical testing. Allele origin: germline.
Comment: This sequence change replaces leucine, which is neutral and non-polar, with proline, which is neutral and non-polar, at codon 764 of the LZTR1 protein (p.Leu764Pro). This variant is not present in population databases (gnomAD no frequency). This variant has not been reported in the literature in individuals affected with LZTR1-related conditions. Invitae Evidence Modeling of protein sequence and biophysical properties (such as structural, functional, and spatial information, amino acid conservation, physicochemical variation, residue mobility, and thermodynamic stability) indicates that this missense variant is not expected to disrupt LZTR1 protein function with a negative predictive value of 80%. In summary, the available evidence is currently insufficient to determine the role of this variant in disease. Therefore, it has been classified as a Variant of Uncertain Significance.

Ambry Genetics
Classification: Uncertain significance for Cardiovascular phenotype; Hereditary cancer-predisposing syndrome. Last evaluated: 2025-08-28. Review status: criteria provided, single submitter. Criteria: Ambry Variant Classification Scheme 2023. Collection method: clinical testing. Allele origin: germline.
Comment: The p.L764P variant (also known as c.2291T>C), located in coding exon 19 of the LZTR1 gene, results from a T to C substitution at nucleotide position 2291. The leucine at codon 764 is replaced by proline, an amino acid with similar properties. This amino acid position is conserved. In addition, this alteration is predicted to be deleterious by in silico analysis. Based on the available evidence, the clinical significance of this variant remains unclear.